The following is an entry in ClinVar:

NM_001145252.3(CFP):c.203G>T (p.Ser68Ile)

Gene: CFP (complement factor properdin; minus strand). Cytogenetic location: Xp11.23.
Variant type: single nucleotide variant.
Coding change: c.203G>T on transcript NM_001145252.3 (MANE Select); coding-DNA position 203, G replaced by T.
Protein change: p.Ser68Ile; replaces serine 68 with isoleucine.
Molecular consequence: missense variant.
Genome position (GRCh38, 1-based): chrX:47,629,548, C>A on the plus strand (G>T on the coding strand, the complement: CFP is on the minus strand). VCF-style: chrX-47629548-C-A. GRCh37 (hg19) VCF-style: chrX-47488947-C-A.
Other names: c.203G>T, p.Ser68Ile (NM_002621.2); short protein forms S68I.
Identifiers: ClinVar variation 3641429 (VCV003641429.2).

ClinVar aggregate classification (germline): Uncertain significance (1 of 4 stars; one submission).

Submission:

Labcorp Genetics (formerly Invitae), Labcorp
Classification: Uncertain significance. Last evaluated: 2025-05-27. Review status: criteria provided, single submitter. Criteria: Invitae Variant Classification Sherloc (09022015). Collection method: clinical testing. Allele origin: germline.
Comment: This sequence change replaces serine, which is neutral and polar, with isoleucine, which is neutral and non-polar, at codon 68 of the CFP protein (p.Ser68Ile). This variant is not present in population databases (gnomAD no frequency). This variant has not been reported in the literature in individuals affected with CFP-related conditions. ClinVar contains an entry for this variant (Variation ID: 3641429). An algorithm developed to predict the effect of missense changes on protein structure and function (PolyPhen-2) suggests that this variant is likely to be tolerated. In summary, the available evidence is currently insufficient to determine the role of this variant in disease. Therefore, it has been classified as a Variant of Uncertain Significance.